The following is an entry in ClinVar:

NM_000334.4(SCN4A):c.2996T>A (p.Val999Glu)

Genes: GH-LCR (growth hormone locus control region; plus strand), SCN4A (sodium voltage-gated channel alpha subunit 4; minus strand). Cytogenetic location: 17q23.3.
Variant type: single nucleotide variant.
Coding change: c.2996T>A on transcript NM_000334.4 (MANE Select); coding-DNA position 2996, T replaced by A.
Protein change: p.Val999Glu; replaces valine 999 with glutamic acid.
Molecular consequence: missense variant.
Genome position (GRCh38, 1-based): chr17:63,948,759, A>T on the plus strand (T>A on the coding strand, the complement: SCN4A is on the minus strand). VCF-style: chr17-63948759-A-T. GRCh37 (hg19) VCF-style: chr17-62026119-A-T.
Other names: short protein forms V999E.
Identifiers: ClinVar variation 2995419 (VCV002995419.4), dbSNP rs745558206, ClinGen allele CA8709420.
Genomic context (GRCh38, chr17:63,948,759, plus strand): 5'-GTCCACCACTTCTTCCCACGGCCCTGGGAGATGTCCACGTAGAGGCAGGGCCAGCGCTGC[A>T]CGCAGGCTGATGGGGTGAGGGGGGACAGGGACAGGCACCACATCATGGGCCTGGGGTTGC-3'
Protein context (NP_000325.4, residues 989-1009): QPEECFTEAC[Val999Glu]QRWPCLYVDI

ClinVar aggregate classification (germline): Uncertain significance. Review status: criteria provided, multiple submitters, no conflicts (2 of 4 stars). 2 submissions from 2 submitters: Uncertain significance (2). Last evaluated 2026-09-01.

Conditions:
Hyperkalemic periodic paralysis. Also called: Familial hyperkalemic periodic paralysis; Gamstorp disease. Identifiers: Orphanet 682, MedGen C0238357, MONDO:0008224, OMIM 170500, HP:0007215.

Allele frequency attached by ClinVar (database versions not stated): gnomAD exomes below 0.00001; ExAC 0.00002.
gnomAD v4.1: 3 of 1,605,420 alleles (0.00019%); highest among the groups gnomAD compares: Non-Finnish European, 0.000085%; no homozygotes.

Submissions (2):

CeGaT Center for Human Genetics Tuebingen
Classification: Uncertain significance. Last evaluated: 2026-09-01. Review status: criteria provided, single submitter. Criteria: CeGaT Center For Human Genetics Tuebingen Variant Classification Criteria Version 2. Collection method: clinical testing. Allele origin: germline. Affected: yes. Observed: 1 variant allele.
Comment: SCN4A: PM2

Labcorp Genetics (formerly Invitae), Labcorp
Classification: Uncertain significance for Hyperkalemic periodic paralysis. Last evaluated: 2024-01-15. Review status: criteria provided, single submitter. Criteria: Invitae Variant Classification Sherloc (09022015). Collection method: clinical testing. Allele origin: germline.
Comment: This sequence change replaces valine, which is neutral and non-polar, with glutamic acid, which is acidic and polar, at codon 999 of the SCN4A protein (p.Val999Glu). This variant is present in population databases (rs745558206, gnomAD 0.002%). This variant has not been reported in the literature in individuals affected with SCN4A-related conditions. Advanced modeling of protein sequence and biophysical properties (such as structural, functional, and spatial information, amino acid conservation, physicochemical variation, residue mobility, and thermodynamic stability) has been performed at Invitae for this missense variant, however the output from this modeling did not meet the statistical confidence thresholds required to predict the impact of this variant on SCN4A protein function. In summary, the available evidence is currently insufficient to determine the role of this variant in disease. Therefore, it has been classified as a Variant of Uncertain Significance.